The following is an entry in ClinVar:

NM_000051.4(ATM):c.7250T>C (p.Leu2417Pro)

Genes: ATM (ATM serine/threonine kinase; plus strand), C11orf65 (chromosome 11 open reading frame 65; minus strand). Cytogenetic location: 11q22.3.
Variant type: single nucleotide variant.
Coding change: c.7250T>C on transcript NM_000051.4 (MANE Select); coding-DNA position 7250, T replaced by C.
Protein change: p.Leu2417Pro; replaces leucine 2417 with proline.
Molecular consequence: missense variant. On other transcripts: intron variant (2).
Genome position (GRCh38, 1-based): chr11:108,329,181, T>C. VCF-style: chr11-108329181-T-C. GRCh37 (hg19) VCF-style: chr11-108199908-T-C.
Other names: c.7250T>C, p.Leu2417Pro (NM_001351834.2); c.641-20110A>G (NM_001330368.2); c.*38+6039A>G (NM_001351110.2); short protein forms L2417P.
Identifiers: ClinVar variation 826932 (VCV000826932.11), dbSNP rs1591151788, ClinGen allele CA382559721.

ClinVar aggregate classification (germline): Uncertain significance. Review status: criteria provided, multiple submitters, no conflicts (2 of 4 stars). 2 submissions from 2 submitters: Uncertain significance (2). Last evaluated 2023-11-04.

Conditions:
Hereditary cancer-predisposing syndrome. Also called: Tumor predisposition; Neoplastic Syndromes, Hereditary; Hereditary Cancer Syndrome; Hereditary neoplastic syndrome. Identifiers: Orphanet 140162, MedGen C0027672, MeSH D009386, MONDO:0015356.
Ataxia-telangiectasia syndrome (AT). Also called: ATAXIA-TELANGIECTASIA, COMPLEMENTATION GROUP A; ATAXIA-TELANGIECTASIA, FRESNO VARIANT; Ataxia-telangiectasia; Ataxia-telangiectasia, complementation group D; AT, COMPLEMENTATION GROUP C; Ataxia-telangiectasia, complementation group E. Identifiers: Orphanet 100, MedGen C0004135, MONDO:0008840, OMIM 208900.

Submissions (2):

Ambry Genetics
Classification: Uncertain significance for Hereditary cancer-predisposing syndrome. Last evaluated: 2023-11-04. Review status: criteria provided, single submitter. Criteria: Ambry Variant Classification Scheme 2023. Collection method: clinical testing. Allele origin: germline.
Comment: The p.L2417P variant (also known as c.7250T>C), located in coding exon 48 of the ATM gene, results from a T to C substitution at nucleotide position 7250. The leucine at codon 2417 is replaced by proline, an amino acid with similar properties. This amino acid position is highly conserved in available vertebrate species. In addition, this alteration is predicted to be deleterious by in silico analysis. Since supporting evidence is limited at this time, the clinical significance of this alteration remains unclear.

Labcorp Genetics (formerly Invitae), Labcorp
Classification: Uncertain significance for Ataxia-telangiectasia syndrome. Last evaluated: 2022-08-28. Review status: criteria provided, single submitter. Criteria: Invitae Variant Classification Sherloc (09022015). Collection method: clinical testing. Allele origin: germline.
Comment: This sequence change replaces leucine, which is neutral and non-polar, with proline, which is neutral and non-polar, at codon 2417 of the ATM protein (p.Leu2417Pro). This variant is not present in population databases (gnomAD no frequency). This variant has not been reported in the literature in individuals affected with ATM-related conditions. ClinVar contains an entry for this variant (Variation ID: 826932). Advanced modeling of protein sequence and biophysical properties (such as structural, functional, and spatial information, amino acid conservation, physicochemical variation, residue mobility, and thermodynamic stability) performed at Invitae indicates that this missense variant is expected to disrupt ATM protein function. In summary, the available evidence is currently insufficient to determine the role of this variant in disease. Therefore, it has been classified as a Variant of Uncertain Significance.